The following is an entry in ClinVar:

NM_005188.4(CBL):c.*7366C>T

Gene: CBL (Cbl proto-oncogene; plus strand). Cytogenetic location: 11q23.3.
Variant type: single nucleotide variant.
Coding change: c.*7366C>T on transcript NM_005188.4 (MANE Select); 7366 bases downstream of the stop codon, C replaced by T.
Molecular consequence: 3 prime UTR variant.
Genome position (GRCh38, 1-based): chr11:119,307,147, C>T. VCF-style: chr11-119307147-C-T. GRCh37 (hg19) VCF-style: chr11-119177857-C-T.
Identifiers: ClinVar variation 302900 (VCV000302900.5), dbSNP rs534426893, ClinGen allele CA10630057.
Genomic context (GRCh38, chr11:119,307,147, plus strand): 5'-GAATGCTCTCTGTGACTGGAGAGGTGACATGCAGGTGCAGTGTGTCTGGAGTCCCTTTCC[C>T]CTGCTGTGAGACTTCAGTGGAGGAGAGAAGCATTGTACCCTGGGATCATTTGGTTGGTTC-3'

ClinVar aggregate classification (germline): Benign (1 of 4 stars; one submission).

Conditions:
CBL-related disorder. Also called: NOONAN SYNDROME-LIKE DISORDER WITHOUT JUVENILE MYELOMONOCYTIC LEUKEMIA; CBL MUTATION-ASSOCIATED SYNDROME; CBL SYNDROME. Identifiers: Orphanet 363972, MedGen C3150803, MONDO:0013308, OMIM 613563.

Allele frequency attached by ClinVar (database versions not stated): gnomAD exomes 0.00057; gnomAD 0.00084 and 0.00086; 1000 Genomes Project 0.00100; TOPMed 0.00109; 1000 Genomes Project 30x 0.00141.
gnomAD v4.1: 175 of 232,046 alleles (0.075%); highest among the groups gnomAD compares: African/African-American, 0.15%; no homozygotes.

Submission:

Illumina Laboratory Services, Illumina
Classification: Benign for CBL-related disorder. Last evaluated: 2018-01-13. Review status: criteria provided, single submitter. Criteria: ICSL Variant Classification Criteria 13 December 2019. Collection method: clinical testing. Allele origin: germline.
Comment: This variant was observed in the ICSL laboratory as part of a predisposition screen in an ostensibly healthy population. It had not been previously curated by ICSL or reported in the Human Gene Mutation Database (HGMD: prior to June 1st, 2018), and was therefore a candidate for classification through an automated scoring system. Utilizing variant allele frequency, disease prevalence and penetrance estimates, and inheritance mode, an automated score was calculated to assess if this variant is too frequent to cause the disease. Based on the score and internal cut-off values, a variant classified as benign is not then subjected to further curation. The score for this variant resulted in a classification of benign for this disease.